The following is an entry in ClinVar:

ClinVar aggregate classification (germline): Uncertain significance. Review status: criteria provided, multiple submitters, no conflicts (2 of 4 stars). 3 submissions from 3 submitters: Uncertain significance (3). Last evaluated 2025-06-10.

Conditions:
Glycogen storage disease type III (GSD3). Also called: Cori disease; FORBES DISEASE. Identifiers: Orphanet 366, MedGen C0017922, MONDO:0009291, OMIM 232400.

Submissions (3):

Labcorp Genetics (formerly Invitae), Labcorp
Classification: Uncertain significance for Glycogen storage disease type III. Last evaluated: 2025-06-10. Review status: criteria provided, single submitter. Criteria: Invitae Variant Classification Sherloc (09022015). Collection method: clinical testing. Allele origin: germline.
Comment: This sequence change falls in intron 20 of the AGL gene. It does not directly change the encoded amino acid sequence of the AGL protein. It affects a nucleotide within the consensus splice site. This variant is present in population databases (rs754242194, gnomAD 0.002%). This variant has been observed in individual(s) with glycogen storage disease (PMID: 17047887; internal data). This variant is also known as IVS21+5insA. ClinVar contains an entry for this variant (Variation ID: 526601). Variants that disrupt the consensus splice site are a relatively common cause of aberrant splicing (PMID: 17576681, 9536098). Algorithms developed to predict the effect of sequence changes on RNA splicing suggest that this variant may disrupt the consensus splice site. In summary, the available evidence is currently insufficient to determine the role of this variant in disease. Therefore, it has been classified as a Variant of Uncertain Significance.

Genome-Nilou Lab
Classification: Uncertain significance for Glycogen storage disease type III. Last evaluated: 2023-04-11. Review status: criteria provided, single submitter. Criteria: ACMG Guidelines, 2015. Collection method: clinical testing. Allele origin: germline. Affected: no.

Victorian Clinical Genetics Services, Murdoch Childrens Research Institute
Classification: Uncertain significance for Glycogen storage disease type III. Last evaluated: 2021-05-06. Review status: criteria provided, single submitter. Criteria: ACMG Guidelines, 2015. Collection method: clinical testing. Allele origin: germline. Inheritance: Autosomal recessive inheritance.
Comment: Based on the classification scheme VCGS_Germline_v1.3.4, this variant is classified as VUS-3A. Following criteria are met: 0102 - Loss of function is a known mechanism of disease in this gene and is associated with glycogen storage disease III (GSD III; MIM#232400). (I) 0106 - This gene is associated with autosomal recessive disease. (I) 0212 - Non-canonical splice site variant without proven consequence on splicing (no functional evidence available). (SP) 0252- This variant is homozygous. (I) 0304 - Variant is present in gnomAD <0.01 for a recessive condition (v2: 2 heterozygotes, 0 homozygotes). (SP) 0505 - Abnormal splicing is predicted by in silico tools and affected nucleotide is highly conserved. (SP) 0705 - No comparable non-canonical variants have previous evidence for pathogenicity. (I) 0803 - This variant has limited previous evidence of pathogenicity in unrelated individuals. It has been reported as a VUS in ClinVar, in two unaffected carriers (Invitae - via personal communication). (SP) 0905 - No published segregation evidence has been identified for this variant. (I) 1007 - No published functional evidence has been identified for this variant. (I) 1209 - This variant has been shown to be both maternally and paternally inherited (biallelic). (I) Legend: (SP) - Supporting pathogenic, (I) - Information, (SB) - Supporting benign

Literature cited by the submitters: PubMed 17047887 (cited by Labcorp Genetics (formerly Invitae), Labcorp and Victorian Clinical Genetics Services, Murdoch Childrens Research Institute); PubMed 17576681 (cited by Labcorp Genetics (formerly Invitae), Labcorp); PubMed 9536098 (cited by Labcorp Genetics (formerly Invitae), Labcorp).

NM_000642.3(AGL):c.2681+4dup

Gene: AGL (amylo-alpha-1,6-glucosidase and 4-alpha-glucanotransferase; plus strand). Cytogenetic location: 1p21.2.
Variant type: Duplication.
Coding change: c.2681+4dup on transcript NM_000642.3 (MANE Select); 4 bases into the intron after coding-DNA position 2681, one base duplicated (A; older notation c.2681+4dupA).
Molecular consequence: intron variant.
Genome position (GRCh38, 1-based): chr1:99,884,707, A duplicated; the last of 2 consecutive A bases (chr1:99,884,706-99,884,707); duplicating either gives the same sequence. VCF-style (leftmost placement, unchanged base first): chr1-99884705-T-TA. GRCh37 (hg19) VCF-style: chr1-100350261-T-TA.
Other names: c.2681+4dup (NM_000643.3, NM_000644.3, NM_001425326.1 and 2 more transcripts); c.2633+4dup (NM_000646.3); c.2480+4dup (NM_001425327.1); c.2477+4dup (NM_001425328.1); c.2342+256dup (NM_001425329.1); c.2303+4dup (NM_001425332.1); c.2681+4dupA (NM_000644.2).
Identifiers: ClinVar variation 526601 (VCV000526601.8), dbSNP rs754242194, ClinGen allele CA966855.